The following is an entry in ClinVar:

ClinVar aggregate classification (germline): Uncertain significance (1 of 4 stars; one submission).

Submission:

GeneDx
Classification: Uncertain significance. Last evaluated: 2025-04-03. Review status: criteria provided, single submitter. Criteria: GeneDx Variant Classification Process June 2021. Collection method: clinical testing. Allele origin: germline. Affected: yes.
Comment: Not observed at significant frequency in large population cohorts (gnomAD); In silico analysis supports that this missense variant has a deleterious effect on protein structure/function; In silico analysis supports a deleterious effect on splicing; Has not been previously published as pathogenic or benign to our knowledge

NM_022841.7(RFX7):c.682G>A (p.Glu228Lys)

Gene: RFX7 (regulatory factor X7; minus strand). Cytogenetic location: 15q21.3.
Variant type: single nucleotide variant.
Coding change: c.682G>A on transcript NM_022841.7 (MANE Select); coding-DNA position 682, G replaced by A.
Protein change: p.Glu228Lys; replaces glutamic acid 228 with lysine.
Molecular consequence: missense variant.
Genome position (GRCh38, 1-based): chr15:56,101,488, C>T on the plus strand (G>A on the coding strand, the complement: RFX7 is on the minus strand). VCF-style: chr15-56101488-C-T. GRCh37 (hg19) VCF-style: chr15-56393686-C-T.
Other names: c.391G>A, p.Glu131Lys (NM_001368073.2, NM_001368074.1, NM_001370554.1); c.682G>A, p.Glu228Lys (NM_001370561.1); short protein forms E131K, E228K.
Identifiers: ClinVar variation 3371753 (VCV003371753.2).
Genomic context (GRCh38, chr15:56,101,488, plus strand): 5'-GGAAGCGGGCTAATTCCAAGACGGTGTCAAATGGTTGGCTTAACACTTTCTGGGCCCACT[C>T]ACACACAAGACGGCAAGCAGAAGAGATAACTTCTTCATCAATATTTTGAAGCTGCCCAGA-3'
Protein context (NP_073752.6, residues 218-238): VISSACRLVC[Glu228Lys]WAQKVLSQPF